The following is an entry in ClinVar:

ClinVar aggregate classification (germline): Conflicting classifications of pathogenicity. Review status: criteria provided, conflicting classifications (1 of 4 stars). 12 submissions from 12 submitters: Uncertain significance (1); Benign (4); Likely benign (5). 2 of the submissions do not count toward it. Last evaluated 2026-06-01.

Conditions:
Ovarian cancer. Also called: OVARIAN CANCER, SOMATIC. Identifiers: Orphanet 213500, MedGen C1140680, MONDO:0008170, OMIM 167000.
Fanconi anemia complementation group E (FANCE). Also called: FANCE-Related Fanconi Anemia. Identifiers: Orphanet 84, MedGen C3160739, MONDO:0010953, OMIM 600901.

Allele frequency attached by ClinVar (database versions not stated): gnomAD 0.00043 and 0.00055; ESP Exome Variant Server 0.00046; TOPMed 0.00049; gnomAD exomes 0.00126 and 0.00066; 1000 Genomes Project 0.00100; 1000 Genomes Project 30x 0.00109; ExAC 0.00115.
gnomAD v4.1: 1,090 of 1,614,092 alleles (0.068%); highest among the groups gnomAD compares: South Asian, 0.41%; 7 homozygotes.

Submissions (12):

CeGaT Center for Human Genetics Tuebingen
Classification: Likely benign. Last evaluated: 2026-06-01. Review status: criteria provided, single submitter. Criteria: CeGaT Center For Human Genetics Tuebingen Variant Classification Criteria Version 2. Collection method: clinical testing. Allele origin: germline. Affected: yes. Observed: 1 variant allele.
Comment: FANCE: BP4, BS2

Dasa
Classification: Likely benign. Last evaluated: 2026-03-16. Review status: criteria provided, single submitter. Criteria: DASA Assertion Criteria. Collection method: clinical testing. Allele origin: germline.
Comment: NM_021922.3(FANCE):c.1333C>T (p.Pro445Ser) is a missense variant that results in the substitution of proline with serine. Population frequency is inconsistent with a disease-causing role for this variant, and observations in unaffected individuals support a benign interpretation. Computational prediction algorithms are consistent with a benign effect. Therefore, based on the currently available evidence, this variant is classified as likely benign.

Labcorp Genetics (formerly Invitae), Labcorp
Classification: Benign for Fanconi anemia complementation group E. Last evaluated: 2026-01-24. Review status: criteria provided, single submitter. Criteria: Invitae Variant Classification Sherloc (09022015). Collection method: clinical testing. Allele origin: germline.

Blueprint Genetics
Classification: Likely benign. Last evaluated: 2024-11-26. Review status: criteria provided, single submitter. Criteria: ACMG Guidelines, 2015. Collection method: clinical testing. Allele origin: germline.

Laboratory of Molecular Epidemiology of Birth Defects, West China Second University Hospital, Sichuan University
Classification: Benign for Ovarian cancer. Last evaluated: 2022-01-01. Review status: criteria provided, single submitter. Criteria: ACMG Guidelines, 2015. Collection method: clinical testing. Allele origin: germline. Affected: yes.

Genetic Services Laboratory, University of Chicago
Classification: Benign. Last evaluated: 2021-02-26. Review status: criteria provided, single submitter. Criteria: ACMG Guidelines, 2015. Collection method: clinical testing. Allele origin: germline. Affected: no.

Johns Hopkins Genomics, Johns Hopkins University
Classification: Likely benign for Fanconi anemia complementation group E. Last evaluated: 2020-08-07. Review status: criteria provided, single submitter. Criteria: ACMG Guidelines, 2015. Collection method: clinical testing. Allele origin: germline.

Baylor Genetics
Classification: Uncertain significance for Fanconi anemia complementation group E. Last evaluated: 2019-01-20. Review status: criteria provided, single submitter. Criteria: ACMG Guidelines, 2015. Collection method: clinical testing. Allele origin: unknown. Affected: yes. Study: CSER-TexasKidsCanSeq.
Comment: This variant was determined to be of uncertain significance according to ACMG Guidelines, 2015 [PMID:25741868].

Centre for Mendelian Genomics, University Medical Centre Ljubljana
Classification: Benign for Fanconi anemia complementation group E. Last evaluated: 2018-11-04. Review status: criteria provided, single submitter. Criteria: ACMG Guidelines, 2015. Collection method: clinical testing. Allele origin: unknown. Affected: yes.
Comment: This variant was classified as: Benign. The following ACMG criteria were applied in classifying this variant: BS1,BS2.

Illumina Laboratory Services, Illumina
Classification: Likely benign for Fanconi anemia complementation group E. Last evaluated: 2018-01-12. Review status: criteria provided, single submitter. Criteria: ICSL Variant Classification Criteria 13 December 2019. Collection method: clinical testing. Allele origin: germline.
Comment: This variant was observed in the ICSL laboratory as part of a predisposition screen in an ostensibly healthy population. It had not been previously curated by ICSL or reported in the Human Gene Mutation Database (HGMD: prior to June 1st, 2018), and was therefore a candidate for classification through an automated scoring system. Utilizing variant allele frequency, disease prevalence and penetrance estimates, and inheritance mode, an automated score was calculated to assess if this variant is too frequent to cause the disease. Based on the score and internal cut-off values, a variant classified as likely benign is not then subjected to further curation. The score for this variant resulted in a classification of likely benign for this disease.

ITMI
No classification provided. Condition: AllHighlyPenetrant. Last evaluated: 2013-09-19. Review status: no classification provided. Collection method: reference population. Allele origin: germline. Not counted in ClinVar's aggregate classification.
Comment: Please see associated publication for description of ethnicities

Department of Pathology and Laboratory Medicine, Sinai Health System
Classification: Benign. Review status: no assertion criteria provided. Collection method: clinical testing. Allele origin: unknown. Affected: yes. Study: The Canadian Open Genetics Repository (COGR). Not counted in ClinVar's aggregate classification.
Comment: The FANCE p.Pro445Ser variant was not identified in the literature nor was it identified in Cosmic or LOVD 3.0. The variant was identified in dbSNP (ID: rs141551053) and ClinVar (classified as benign by Invitae and as a VUS by Illumina). The variant was also identified in control databases in 326 of 282840 chromosomes (2 homozygous) at a frequency of 0.001153 increasing the likelihood this could be a low frequency benign variant (Genome Aggregation Database Feb 27, 2017). The variant was observed in the following populations: Ashkenazi Jewish in 106 of 10370 chromosomes (freq: 0.01022), South Asian in 123 of 30616 chromosomes (freq: 0.004018), Other in 12 of 7224 chromosomes (freq: 0.001661), Latino in 19 of 35440 chromosomes (freq: 0.000536), European (non-Finnish) in 55 of 129178 chromosomes (freq: 0.000426), East Asian in 8 of 19954 chromosomes (freq: 0.000401) and African in 3 of 24968 chromosomes (freq: 0.00012), but was not observed in the European (Finnish) population. The p.Pro445 residue is not conserved in mammals and four out of five computational analyses (PolyPhen-2, SIFT, AlignGVGD, BLOSUM, MutationTaster) do not suggest a high likelihood of impact to the protein; however, this information is not predictive enough to rule out pathogenicity. The variant occurs outside of the splicing consensus sequence and 3 of 4 in silico or computational prediction software programs (SpliceSiteFinder, MaxEntScan, NNSPLICE, GeneSplicer) do not predict a difference in splicing. In summary, based on the above information this variant meets our laboratory's criteria to be classified as benign.

Literature cited by the submitters: PubMed 24728327 (cited by ITMI).

NM_021922.3(FANCE):c.1333C>T (p.Pro445Ser)

Gene: FANCE (FA complementation group E; plus strand). Cytogenetic location: 6p21.31.
Variant type: single nucleotide variant.
Coding change: c.1333C>T on transcript NM_021922.3 (MANE Select); coding-DNA position 1333, C replaced by T.
Protein change: p.Pro445Ser; replaces proline 445 with serine.
Molecular consequence: missense variant.
Genome position (GRCh38, 1-based): chr6:35,460,568, C>T. VCF-style: chr6-35460568-C-T. GRCh37 (hg19) VCF-style: chr6-35428345-C-T.
Other names: short protein forms P445S.
Identifiers: ClinVar variation 134343 (VCV000134343.32), dbSNP rs141551053, ClinGen allele CA159554.
Genomic context (GRCh38, chr6:35,460,568, plus strand): 5'-GGGTGGGAGGCCAGGCATTTTTCACTAGGGCCTCTGCTTTGCAGACAGATCTTGGAGCTG[C>T]CCTGGAAGGAGGAAACTTTCTTGGTGTTGCAGTCACTCCTAGAGCGGCAGGTGAGCAGGC-3'
Protein context (NP_068741.1, residues 435-455): VLMLGQILEL[Pro445Ser]WKEETFLVLQ